The following is an entry in ClinVar:

NM_025137.4(SPG11):c.3000del (p.Leu1001fs)

Gene: SPG11 (SPG11 vesicle trafficking associated, spatacsin; minus strand). Cytogenetic location: 15q21.1.
Variant type: Deletion.
Coding change: c.3000del on transcript NM_025137.4 (MANE Select); coding-DNA position 3000, one base deleted (T; older notation c.3000delT).
Protein change: p.Leu1001fs; shifts the reading frame from leucine 1001.
Molecular consequence: frameshift variant.
Genome position (GRCh38, 1-based): chr15:44,615,401, A deleted on the plus strand (T on the coding strand, the reverse complement: SPG11 is on the minus strand). VCF-style (leftmost placement, unchanged base first): chr15-44615400-GA-G. GRCh37 (hg19) VCF-style: chr15-44907598-GA-G.
Other names: c.3000del, p.Leu1001fs (NM_001160227.2); short protein forms L1001fs.
Identifiers: ClinVar variation 448464 (VCV000448464.4), dbSNP rs1555454488, ClinGen allele CA658658288.

ClinVar aggregate classification (germline): Pathogenic/Likely pathogenic. Review status: criteria provided, multiple submitters, no conflicts (2 of 4 stars). 2 submissions from 2 submitters: Pathogenic (1); Likely pathogenic (1). Last evaluated 2024-06-06.

Conditions:
Hereditary spastic paraplegia 11. Also called: Spastic Paraplegia 11; Spastic paraplegia, mental retardation and thin corpus callosum; SPASTIC PARAPLEGIA, AUTOSOMAL RECESSIVE, COMPLICATED, WITH THIN CORPUS CALLOSUM; SPASTIC PARAPLEGIA, AUTOSOMAL RECESSIVE, WITH MENTAL IMPAIRMENT AND THIN CORPUS CALLOSUM; Nakamura Osame syndrome; Autosomal recessive hereditary spastic paraplegia, mental impairment, and thin corpus callosum. Identifiers: Orphanet 2822, MedGen C1858479, MONDO:0011445, OMIM 604360.

Allele frequency attached by ClinVar (database versions not stated): TOPMed 0.00001.

Submissions (2):

Labcorp Genetics (formerly Invitae), Labcorp
Classification: Pathogenic for Hereditary spastic paraplegia 11. Last evaluated: 2024-06-06. Review status: criteria provided, single submitter. Criteria: Invitae Variant Classification Sherloc (09022015). Collection method: clinical testing. Allele origin: germline.
Comment: This sequence change creates a premature translational stop signal (p.Leu1001Cysfs*37) in the SPG11 gene. It is expected to result in an absent or disrupted protein product. Loss-of-function variants in SPG11 are known to be pathogenic (PMID: 19105190, 20110243, 22154821, 26556829). This variant is not present in population databases (gnomAD no frequency). This variant has not been reported in the literature in individuals affected with SPG11-related conditions. ClinVar contains an entry for this variant (Variation ID: 448464). Algorithms developed to predict the effect of sequence changes on RNA splicing suggest that this variant may create or strengthen a splice site. For these reasons, this variant has been classified as Pathogenic.

Athena Diagnostics
Classification: Likely pathogenic. Last evaluated: 2016-12-15. Review status: criteria provided, single submitter. Criteria: Athena Diagnostics Criteria. Collection method: clinical testing. Allele origin: germline.

Literature cited by the submitters: PubMed 19105190 (cited by Labcorp Genetics (formerly Invitae), Labcorp); PubMed 20110243 (cited by Labcorp Genetics (formerly Invitae), Labcorp); PubMed 22154821 (cited by Labcorp Genetics (formerly Invitae), Labcorp); PubMed 26556829 (cited by Labcorp Genetics (formerly Invitae), Labcorp).